The following is an entry in ClinVar:

NM_004369.4(COL6A3):c.3319A>G (p.Asn1107Asp)

Gene: COL6A3 (collagen type VI alpha 3 chain; minus strand). Cytogenetic location: 2q37.3.
Variant type: single nucleotide variant.
Coding change: c.3319A>G on transcript NM_004369.4 (MANE Select); coding-DNA position 3319, A replaced by G.
Protein change: p.Asn1107Asp; replaces asparagine 1107 with aspartic acid.
Molecular consequence: missense variant.
Genome position (GRCh38, 1-based): chr2:237,374,772, T>C on the plus strand (A>G on the coding strand, the complement: COL6A3 is on the minus strand). VCF-style: chr2-237374772-T-C. GRCh37 (hg19) VCF-style: chr2-238283415-T-C.
Other names: c.2098A>G, p.Asn700Asp (NM_057164.5); c.2701A>G, p.Asn901Asp (NM_057165.5, NM_057167.4); c.1498A>G, p.Asn500Asp (NM_057166.5); short protein forms N500D, N700D, N1107D, N901D.
Identifiers: ClinVar variation 666202 (VCV000666202.8), dbSNP rs1574710031, ClinGen allele CA351203764.
Genomic context (GRCh38, chr2:237,374,772, plus strand): 5'-TGCTTCCCGCAGAGCTGACCAGGATGTTCCTCAGGACAAACTCCAGGGCGGCCCCGGTGT[T>C]GGGGGTCGGCCCTCCCAGCAGGGTCAGCTGGCGGACAGCGTTGACGACGTCCTGCTTGTT-3'
Protein context (NP_004360.2, residues 1097-1117): QLTLLGGPTP[Asn1107Asp]TGAALEFVLR

ClinVar aggregate classification (germline): Uncertain significance. Review status: criteria provided, multiple submitters, no conflicts (2 of 4 stars). 2 submissions from 2 submitters: Uncertain significance (2). Last evaluated 2025-12-15.

Conditions:
Bethlem myopathy 1A. Also called: Bethlem Muscular Dystrophy; Bethlem myopathy 1; MYOPATHY, BENIGN CONGENITAL, WITH CONTRACTURES. Identifiers: Orphanet 610, MedGen CN029274, MONDO:0024530, OMIM 158810.

Allele frequency attached by ClinVar (database versions not stated): gnomAD 0.00001; TOPMed 0.00001.
gnomAD v4.1: 1 of 1,613,832 alleles (0.000062%); highest among the groups gnomAD compares: Non-Finnish European, 0.000085%; no homozygotes.

Submissions (2):

Labcorp Genetics (formerly Invitae), Labcorp
Classification: Uncertain significance for Bethlem myopathy 1A. Last evaluated: 2025-12-15. Review status: criteria provided, single submitter. Criteria: Invitae Variant Classification Sherloc (09022015). Collection method: clinical testing. Allele origin: germline.
Comment: This sequence change replaces asparagine, which is neutral and polar, with aspartic acid, which is acidic and polar, at codon 1107 of the COL6A3 protein (p.Asn1107Asp). This variant is not present in population databases (gnomAD no frequency). This variant has not been reported in the literature in individuals affected with COL6A3-related conditions. ClinVar contains an entry for this variant (Variation ID: 666202). Invitae Evidence Modeling of protein sequence and biophysical properties (such as structural, functional, and spatial information, amino acid conservation, physicochemical variation, residue mobility, and thermodynamic stability) has been performed for this missense variant. However, the output from this modeling did not meet the statistical confidence thresholds required to predict the impact of this variant on COL6A3 protein function. In summary, the available evidence is currently insufficient to determine the role of this variant in disease. Therefore, it has been classified as a Variant of Uncertain Significance.

GeneDx
Classification: Uncertain significance. Last evaluated: 2019-11-08. Review status: criteria provided, single submitter. Criteria: GeneDx Variant Classification Process June 2021. Collection method: clinical testing. Allele origin: germline. Affected: yes.
Comment: Not observed in large population cohorts (Lek et al., 2016); In silico analysis, which includes protein predictors and evolutionary conservation, supports a deleterious effect; Has not been previously published as pathogenic or benign to our knowledge